The following is an entry in ClinVar:

NM_001382391.1(CSPP1):c.923+83A>G

Gene: CSPP1 (centrosome and spindle pole associated protein 1; plus strand). Cytogenetic location: 8q13.1.
Variant type: single nucleotide variant.
Coding change: c.923+83A>G on transcript NM_001382391.1 (MANE Select); 83 bases into the intron after coding-DNA position 923, A replaced by G.
Molecular consequence: intron variant.
Genome position (GRCh38, 1-based): chr8:67,095,815, A>G. VCF-style: chr8-67095815-A-G. GRCh37 (hg19) VCF-style: chr8-68008050-A-G.
Other names: c.950+83A>G (NM_001438330.1, NM_001364870.1, NM_001438332.1 and 2 more transcripts); c.68+83A>G (NM_001291339.2); c.923+83A>G (NM_001363132.2); c.842+83A>G (NM_001363131.2, NM_001363133.2); c.1031+83A>G (NM_001364869.1).
Identifiers: ClinVar variation 675051 (VCV000675051.2), dbSNP rs113988571, ClinGen allele CA178194105.

ClinVar aggregate classification (germline): Benign. Review status: criteria provided, multiple submitters, no conflicts (2 of 4 stars). 2 submissions from 2 submitters: Benign (2). Last evaluated 2018-06-16.

Allele frequency attached by ClinVar (database versions not stated): TOPMed 0.03014; gnomAD 0.03738; 1000 Genomes Project 30x 0.04388; 1000 Genomes Project 0.04473.
gnomAD v4.1: 16,907 of 819,070 alleles (2.1%); highest among the groups gnomAD compares: African/African-American, 8.1%; 531 homozygotes.

Submissions (2):

GeneDx
Classification: Benign. Last evaluated: 2018-06-16. Review status: criteria provided, single submitter. Criteria: GeneDx Variant Classification (06012015). Collection method: clinical testing. Allele origin: germline. Affected: yes.
Comment: This variant is considered likely benign or benign based on one or more of the following criteria: it is a conservative change, it occurs at a poorly conserved position in the protein, it is predicted to be benign by multiple in silico algorithms, and/or has population frequency not consistent with disease.

Breakthrough Genomics
Classification: Benign. Review status: criteria provided, single submitter. Criteria: ACMG Guidelines, 2015. Collection method: not provided. Allele origin: germline. Inheritance: Autosomal recessive inheritance. Affected: yes.